The following is an entry in ClinVar:

ClinVar aggregate classification (germline): Likely pathogenic (1 of 4 stars; one submission).

Conditions:
Warsaw breakage syndrome (WABS). Also called: DDX11-Related Cohesinopathy. Identifiers: Orphanet 280558, MedGen C3150658, MONDO:0013252, OMIM 613398.

Submission:

Juno Genomics, Hangzhou Juno Genomics, Inc
Classification: Likely pathogenic for Warsaw breakage syndrome. Review status: criteria provided, single submitter. Criteria: ACMG Guidelines, 2015. Collection method: clinical testing. Allele origin: germline.
Comment: Absent from controls (or at extremely low frequency if recessive) in Genome Aggregation Database.;Null variant in a gene where loss of function (LOF) is a known mechanism of disease.

NM_030653.4(DDX11):c.948dup (p.Phe317fs)

Gene: DDX11 (DEAD/H-box helicase 11; plus strand). Cytogenetic location: 12p11.21.
Variant type: Duplication.
Coding change: c.948dup on transcript NM_030653.4 (MANE Select); coding-DNA position 948, one base duplicated (C; older notation c.948dupC).
Protein change: p.Phe317fs; shifts the reading frame from phenylalanine 317.
Molecular consequence: frameshift variant. On other transcripts: 5 prime UTR variant (1), non-coding transcript variant (4).
Genome position (GRCh38, 1-based): chr12:31,089,953, C duplicated; the last of 4 consecutive C bases (chr12:31,089,950-31,089,953); duplicating any one gives the same sequence. VCF-style (leftmost placement, unchanged base first): chr12-31089949-G-GC. GRCh37 (hg19) VCF-style: chr12-31242883-G-GC.
Other names: c.870dup, p.Phe291fs (NM_001413697.1, NM_001413698.1, NM_001413699.1 and 1 more transcripts); c.861dup, p.Phe288fs (NM_001413700.1); c.420dup, p.Phe141fs (NM_001413702.1, NM_001413703.1); c.87dup, p.Phe30fs (NM_001413704.1, NM_001413705.1); c.-19dup (NM_001413706.1); c.948dup, p.Phe317fs (NM_004399.3, NM_152438.2, NM_001257144.2 and 5 more transcripts); short protein forms F141fs, F288fs, F291fs, F30fs, F317fs.
Identifiers: ClinVar variation 5019621 (VCV005019621.2).